The following is an entry in ClinVar:

NM_032898.5(CEP19):c.178_179del (p.Ser60fs)

Gene: CEP19 (centrosomal protein 19; minus strand). Cytogenetic location: 3q29.
Variant type: Microsatellite.
Coding change: c.178_179del on transcript NM_032898.5 (MANE Select); coding-DNA positions 178 to 179, 2 bases deleted (AG; older notation c.178_179delAG).
Protein change: p.Ser60fs; shifts the reading frame from serine 60.
Molecular consequence: frameshift variant.
Genome position (GRCh38, 1-based): chr3:196,707,864-196,707,865, CT deleted on the plus strand (AG on the coding strand, the reverse complement: CEP19 is on the minus strand); deleting any 2 consecutive bases within chr3:196,707,864-196,707,867 gives the same sequence; the c. name uses the placement nearest the transcript's 3' end. VCF-style (leftmost placement, unchanged base first): chr3-196707863-ACT-A. GRCh37 (hg19) VCF-style: chr3-196434734-ACT-A.
Other names: c.73_74del, p.Ser25fs (NM_001379468.1); c.178_179del, p.Ser60fs (NM_001379469.1, NM_001379470.1); short protein forms S60fs, S25fs.
Identifiers: ClinVar variation 942607 (VCV000942607.6), dbSNP rs1711584645, ClinGen allele CA1431784405.

ClinVar aggregate classification (germline): Uncertain significance (1 of 4 stars; one submission).

Submission:

Labcorp Genetics (formerly Invitae), Labcorp
Classification: Uncertain significance. Last evaluated: 2020-09-09. Review status: criteria provided, single submitter. Criteria: Invitae Variant Classification Sherloc (09022015). Collection method: clinical testing. Allele origin: germline.
Comment: This sequence change results in a premature translational stop signal in the CEP19 gene (p.Ser64Leufs*40). While this is not anticipated to result in nonsense mediated decay, it is expected to disrupt the last 104 amino acids of the CEP19 protein. This variant is not present in population databases (ExAC no frequency). This variant has not been reported in the literature in individuals with CEP19-related conditions. Experimental studies and prediction algorithms are not available or were not evaluated for this variant, and the functional significance of this variant is currently unknown. In summary, the available evidence is currently insufficient to determine the role of this variant in disease. Therefore, it has been classified as a Variant of Uncertain Significance.